The following is an entry in ClinVar:

ClinVar aggregate classification (germline): Uncertain significance (1 of 4 stars; one submission).

Conditions:
Okur-Chung neurodevelopmental syndrome (OCNDS). Identifiers: Orphanet 689422, MedGen C4310739, MONDO:0014893, OMIM 617062.

Submission:

Clinical Genomics Laboratory, Washington University in St. Louis
Classification: Uncertain significance for Okur-Chung neurodevelopmental syndrome. Last evaluated: 2025-07-22. Review status: criteria provided, single submitter. Criteria: ACMG Guidelines, 2015. Collection method: clinical testing. Allele origin: germline.
Comment: The CSNK2A1 c.2T>C (p.Met1?) variant, to our knowledge, has not been reported in the medical literature. This variant is absent from the general population (gnomAD v2.1.1), indicating it is not a common variant. This variant impacts the initiation codon and there is another in-frame methionine at codon 137, which could serve as an alternate start site. Another variant in the initiation codon, c.1A>G (p.Met1Val), has been reported in an affected individual and is classified as pathogenic (Chiu ATG et al., PMID: 29240241; ClinVar Variation ID: 619015). Based on available information and the ACMG/AMP guidelines for variant interpretation (Richards S et al., PMID: 25741868), this variant is classified as being of uncertain clinical significance.

NM_177559.3(CSNK2A1):c.2T>C (p.Met1Thr)

Gene: CSNK2A1 (casein kinase 2 alpha 1; minus strand). Cytogenetic location: 20p13.
Variant type: single nucleotide variant.
Coding change: c.2T>C on transcript NM_177559.3 (MANE Select); coding-DNA position 2, T replaced by C.
Protein change: p.Met1Thr; changes the start codon (methionine 1).
Molecular consequence: missense variant, initiator codon variant. On other transcripts: intron variant (1).
Genome position (GRCh38, 1-based): chr20:508,550, A>G on the plus strand (T>C on the coding strand, the complement: CSNK2A1 is on the minus strand). VCF-style: chr20-508550-A-G. GRCh37 (hg19) VCF-style: chr20-489194-A-G.
Other names: c.2T>C, p.Met1Thr (NM_001362770.2, NM_001362771.2, NM_001895.4); c.-307-3321T>C (NM_177560.3); short protein forms M1T.
Identifiers: ClinVar variation 4279860 (VCV004279860.1).